The following is an entry in ClinVar:

NM_000051.4(ATM):c.4517T>A (p.Val1506Glu)

Gene: ATM (ATM serine/threonine kinase; plus strand). Cytogenetic location: 11q22.3.
Variant type: single nucleotide variant.
Coding change: c.4517T>A on transcript NM_000051.4 (MANE Select); coding-DNA position 4517, T replaced by A.
Protein change: p.Val1506Glu; replaces valine 1506 with glutamic acid.
Molecular consequence: missense variant.
Genome position (GRCh38, 1-based): chr11:108,292,699, T>A. VCF-style: chr11-108292699-T-A. GRCh37 (hg19) VCF-style: chr11-108163426-T-A.
Other names: c.4517T>A, p.Val1506Glu (NM_001351834.2); short protein forms V1506E.
Identifiers: ClinVar variation 524379 (VCV000524379.7), dbSNP rs1555099878, ClinGen allele CA382533638.

ClinVar aggregate classification (germline): Uncertain significance (1 of 4 stars; one submission).

Conditions:
Ataxia-telangiectasia syndrome (AT). Also called: ATAXIA-TELANGIECTASIA, COMPLEMENTATION GROUP A; ATAXIA-TELANGIECTASIA, FRESNO VARIANT; Ataxia-telangiectasia; Ataxia-telangiectasia, complementation group D; AT, COMPLEMENTATION GROUP C; Ataxia-telangiectasia, complementation group E. Identifiers: Orphanet 100, MedGen C0004135, MONDO:0008840, OMIM 208900.

Submission:

Labcorp Genetics (formerly Invitae), Labcorp
Classification: Uncertain significance for Ataxia-telangiectasia syndrome. Last evaluated: 2017-11-12. Review status: criteria provided, single submitter. Criteria: Invitae Variant Classification Sherloc (09022015). Collection method: clinical testing. Allele origin: germline.
Comment: This sequence change replaces valine with glutamic acid at codon 1506 of the ATM protein (p.Val1506Glu). The valine residue is highly conserved and there is a moderate physicochemical difference between valine and glutamic acid. This variant is not present in population databases (ExAC no frequency). This variant has not been reported in the literature in individuals with ATM-related disease. Algorithms developed to predict the effect of missense changes on protein structure and function (SIFT, PolyPhen-2, Align-GVGD) all suggest that this variant is likely to be disruptive, but these predictions have not been confirmed by published functional studies and their clinical significance is uncertain. In summary, the available evidence is currently insufficient to determine the role of this variant in disease. Therefore, it has been classified as a Variant of Uncertain Significance.